The following is an entry in ClinVar:

NM_001278716.2(FBXL4):c.607A>G (p.Asn203Asp)

Gene: FBXL4 (F-box and leucine rich repeat protein 4; minus strand). Cytogenetic location: 6q16.2.
Variant type: single nucleotide variant.
Coding change: c.607A>G on transcript NM_001278716.2 (MANE Select); coding-DNA position 607, A replaced by G.
Protein change: p.Asn203Asp; replaces asparagine 203 with aspartic acid.
Molecular consequence: missense variant.
Genome position (GRCh38, 1-based): chr6:98,917,625, T>C on the plus strand (A>G on the coding strand, the complement: FBXL4 is on the minus strand). VCF-style: chr6-98917625-T-C. GRCh37 (hg19) VCF-style: chr6-99365501-T-C.
Other names: c.607A>G, p.Asn203Asp (NM_012160.5); short protein forms N203D.
Identifiers: ClinVar variation 437605 (VCV000437605.1), dbSNP rs779833991, ClinGen allele CA3933648.

ClinVar aggregate classification (germline): Uncertain significance (1 of 4 stars; one submission).

Conditions:
Mitochondrial DNA depletion syndrome 13. Also called: FBXL4-Related Encephalomyopathic Mitochondrial DNA Depletion Syndrome; Mitochondrial DNA depletion syndrome 13 (encephalomyopathic type). Identifiers: Orphanet 369897, MedGen C3809592, MONDO:0014198, OMIM 615471.

Allele frequency attached by ClinVar (database versions not stated): gnomAD exomes below 0.00001 and 0.00001; ExAC 0.00001.
gnomAD v4.1: 1 of 1,613,972 alleles (0.000062%); highest among the groups gnomAD compares: Non-Finnish European, 0.000085%; no homozygotes.

Submission:

Wong Mito Lab, Molecular and Human Genetics, Baylor College of Medicine
Classification: Uncertain significance for Mitochondrial DNA depletion syndrome 13. Last evaluated: 2017-08-10. Review status: criteria provided, single submitter. Criteria: ACMG Guidelines, 2015. Collection method: reference population. Allele origin: germline.
Comment: The NM_012160.4:c.607A>G (NP_036292.2:p.Asn203Asp) [GRCH38: NC_000006.12:g.98917625T>C] variant in FBXL4 gene is interpretated to be a Uncertain Significance - Insufficient Evidence based on ACMG guidelines (PMID: 25741868). This variant meets one or more of the following evidence codes reported in the ACMG-guideline. PM2:This variant is absent in key population databases. Based on this evidence code ClinGen Pathogenicity Calculator (PMID:28081714) suggested that the variant is Uncertain Significance - Insufficient Evidence.